The following is an entry in ClinVar:

ClinVar aggregate classification (germline): Likely benign. Review status: criteria provided, multiple submitters, no conflicts (2 of 4 stars). 3 submissions from 3 submitters: Likely benign (3). Last evaluated 2026-07-13.

Conditions:
PLEC-related disorder. Also called: PLEC-related disorders; PLEC-related condition.
Epidermolysis bullosa simplex, Ogna type (EBS5A). Also called: Pidermolysis bullosa simplex 5A, Ogna type; EPIDERMOLYSIS BULLOSA SIMPLEX 5A, OGNA TYPE. Identifiers: Orphanet 79401, MedGen C0432317, MONDO:0007555, OMIM 131950.
Epidermolysis bullosa simplex 5B, with muscular dystrophy (EBS5B). Also called: Epidermolysis bullosa simplex with muscular dystrophy; EPIDERMOLYSIS BULLOSA SIMPLEX AND LIMB-GIRDLE MUSCULAR DYSTROPHY. Identifiers: Orphanet 257, MedGen C2931072, MONDO:0009181, OMIM 226670.
Epidermolysis bullosa simplex with nail dystrophy (EBS5D). Identifiers: MedGen C4225309, MONDO:0014661, OMIM 616487.
Autosomal recessive limb-girdle muscular dystrophy type 2Q (LGMDR17). Also called: MUSCULAR DYSTROPHY, LIMB-GIRDLE, AUTOSOMAL RECESSIVE 17. Identifiers: Orphanet 254361, MedGen C3150989, MONDO:0013390, OMIM 613723.
Epidermolysis bullosa simplex 5C, with pyloric atresia (EBS5C). Also called: PLEC-Related Epidermolysis Bullosa with Pyloric Atresia; Epidermolysis bullosa simplex with pyloric atresia; PLEC1-Related Epidermolysis Bullosa with Pyloric Atresia. Identifiers: Orphanet 158684, MedGen C2677349, MONDO:0012807, OMIM 612138.

Allele frequency attached by ClinVar (database versions not stated): gnomAD 0.00007; TOPMed 0.00009; ExAC 0.00011; gnomAD exomes 0.00013 and 0.00015.
gnomAD v4.1: 232 of 1,613,988 alleles (0.014%); highest among the groups gnomAD compares: Non-Finnish European, 0.015%; no homozygotes.

Submissions (3):

PreventionGenetics, part of Exact Sciences
Classification: Likely benign for PLEC-related condition. Last evaluated: 2026-07-13. Review status: criteria provided, single submitter. Criteria: ACMG Guidelines, 2015. Collection method: clinical testing. Allele origin: germline.
Comment: This variant is classified as likely benign based on ACMG/AMP sequence variant interpretation guidelines (Richards et al. 2015 PMID: 25741868, with internal and published modifications).

Labcorp Genetics (formerly Invitae), Labcorp
Classification: Likely benign for Autosomal recessive limb-girdle muscular dystrophy type 2Q; Epidermolysis bullosa simplex, Ogna type; Epidermolysis bullosa simplex with nail dystrophy; Epidermolysis bullosa simplex 5C, with pyloric atresia; Epidermolysis bullosa simplex 5B, with muscular dystrophy. Last evaluated: 2025-12-21. Review status: criteria provided, single submitter. Criteria: Invitae Variant Classification Sherloc (09022015). Collection method: clinical testing. Allele origin: germline.

Blueprint Genetics
Classification: Likely benign. Last evaluated: 2024-09-03. Review status: criteria provided, single submitter. Criteria: ACMG Guidelines, 2015. Collection method: clinical testing. Allele origin: germline.

NM_201384.3(PLEC):c.8562T>C (p.Phe2854=)

Gene: PLEC (plectin; minus strand). Cytogenetic location: 8q24.3.
Variant type: single nucleotide variant.
Coding change: c.8562T>C on transcript NM_201384.3 (MANE Select); coding-DNA position 8562, T replaced by C.
Protein change: p.Phe2854=; no amino-acid change (phenylalanine 2854 retained).
Molecular consequence: synonymous variant.
Genome position (GRCh38, 1-based): chr8:143,921,259, A>G on the plus strand (T>C on the coding strand, the complement: PLEC is on the minus strand). VCF-style: chr8-143921259-A-G. GRCh37 (hg19) VCF-style: chr8-144995427-A-G.
Other names: c.8643T>C, p.Phe2881= (NM_000445.5); c.8520T>C, p.Phe2840= (NM_201378.4); c.8496T>C, p.Phe2832= (NM_201379.3); c.8973T>C, p.Phe2991= (NM_201380.4); c.8466T>C, p.Phe2822= (NM_201381.3); c.8562T>C, p.Phe2854= (NM_201382.4); c.8574T>C, p.Phe2858= (NM_201383.3).
Identifiers: ClinVar variation 539003 (VCV000539003.13), dbSNP rs782794582, ClinGen allele CA4925266.